The following is an entry in ClinVar:

ClinVar aggregate classification (germline): Conflicting classifications of pathogenicity. Review status: criteria provided, conflicting classifications (1 of 4 stars). 3 submissions from 3 submitters: Uncertain significance (1); Likely benign (2). Last evaluated 2025-10-01.

Conditions:
Autosomal dominant limb-girdle muscular dystrophy type 1G (LGMDD3). Also called: Limb-girdle muscular dystrophy, type 1G; MUSCULAR DYSTROPHY, LIMB-GIRDLE, AUTOSOMAL DOMINANT 3. Identifiers: Orphanet 55596, MedGen C1836765, MONDO:0012193, OMIM 609115.

Submissions (3):

Labcorp Genetics (formerly Invitae), Labcorp
Classification: Likely benign for Autosomal dominant limb-girdle muscular dystrophy type 1G. Last evaluated: 2025-10-01. Review status: criteria provided, single submitter. Criteria: Invitae Variant Classification Sherloc (09022015). Collection method: clinical testing. Allele origin: germline.

Mendelics
Classification: Likely benign for Autosomal dominant limb-girdle muscular dystrophy type 1G. Last evaluated: 2025-04-11. Review status: criteria provided, single submitter. Criteria: ACMG Guidelines, 2015. Collection method: clinical testing. Allele origin: unknown. Inheritance: Autosomal dominant inheritance.
Comment: Variant NM_031372.4(HNRNPDL):c.324_341del (p.Arg109_Ala114del) has frequecy in Mendelics internal databases as well as in GnomAD v4.1.0 database (0.00004214 with 68 alleles).

Revvity Omics, Revvity
Classification: Uncertain significance for Autosomal dominant limb-girdle muscular dystrophy type 1G. Last evaluated: 2020-03-17. Review status: criteria provided, single submitter. Criteria: ACMG Guidelines, 2015. Collection method: clinical testing. Allele origin: germline.

NM_031372.4(HNRNPDL):c.324_341del (p.Arg109_Ala114del)

Gene: HNRNPDL (heterogeneous nuclear ribonucleoprotein D like; minus strand). Cytogenetic location: 4q21.22.
Variant type: Deletion.
Coding change: c.324_341del on transcript NM_031372.4 (MANE Select); coding-DNA positions 324 to 341, 18 bases deleted (GCGCCAGCACCCCCCTGC).
Protein change: p.Arg109_Ala114del.
Molecular consequence: inframe deletion. On other transcripts: non-coding transcript variant (1).
Genome position (GRCh38, 1-based): chr4:82,429,350-82,429,367, GCAGGGGGGTGCTGGCGC deleted on the plus strand (GCGCCAGCACCCCCCTGC on the coding strand, the reverse complement: HNRNPDL is on the minus strand); deleting any 18 consecutive bases within chr4:82,429,350-82,429,371 gives the same sequence; the c. name uses the placement nearest the transcript's 3' end. VCF-style (leftmost placement, unchanged base first): chr4-82429349-GGCAGGGGGGTGCTGGCGC-G. GRCh37 (hg19) VCF-style: chr4-83350502-GGCAGGGGGGTGCTGGCGC-G.
Other names: c.324_341del, p.Arg109_Ala114del (NM_001207000.1).
Identifiers: ClinVar variation 938978 (VCV000938978.13), dbSNP rs760683509, ClinGen allele CA2985032.
Genomic context (GRCh38, chr4:82,429,349, plus strand): 5'-CTCTGCGAATTCCTCTATATTGCTGTACTCGTTCATATCCTCCATAGTGACGGAGCTGTC[GGCAGGGGGGTGCTGGCGC>G]GCAGTCCGGGTCGCGGCAGCAGCGGCGGCGGAGCGTTGTATGGAGCTGGATTTAAAATGG-3'